The following is an entry in ClinVar:

NM_203447.4(DOCK8):c.1878del (p.Tyr628fs)

Gene: DOCK8 (dedicator of cytokinesis 8; plus strand). Cytogenetic location: 9p24.3.
Variant type: Deletion.
Coding change: c.1878del on transcript NM_203447.4 (MANE Select); coding-DNA position 1878, one base deleted (C; older notation c.1878delC).
Protein change: p.Tyr628fs; shifts the reading frame from tyrosine 628.
Molecular consequence: frameshift variant.
Genome position (GRCh38, 1-based): chr9:371,437, C deleted. VCF-style (leftmost placement, unchanged base first): chr9-371436-AC-A. GRCh37 (hg19) VCF-style: chr9-371436-AC-A.
Other names: c.1674del, p.Tyr560fs (NM_001190458.2, NM_001193536.2); short protein forms Y560fs, Y628fs.
Identifiers: ClinVar variation 2031510 (VCV002031510.4), dbSNP rs2538289835, ClinGen allele CA2579286924.
Genomic context (GRCh38, chr9:371,436, plus strand): 5'-AAGTCATCATTCTTGCTAAAAGTTATTTGTGTATAATGTGCTTTTGAAACAGGTCTCCTG[AC>A]TTTTATGAAGAAGTGAAAATTAAGCTCCCCGCTAAGCTCACAGTAAATCACCACCTCCTG-3'

ClinVar aggregate classification (germline): Pathogenic (1 of 4 stars; one submission).

Conditions:
Combined immunodeficiency due to DOCK8 deficiency (HIES2). Also called: HIES autosomal recessive; Hyper-IgE recurrent infection syndrome, autosomal recessive; HYPER-IgE RECURRENT INFECTION SYNDROME 2, AUTOSOMAL RECESSIVE; HYPER-IgE SYNDROME 2, AUTOSOMAL RECESSIVE, WITH RECURRENT INFECTIONS; DOCK8 Deficiency. Identifiers: Orphanet 217390, MedGen C4722305, MONDO:0009478, OMIM 243700.

Submission:

Labcorp Genetics (formerly Invitae), Labcorp
Classification: Pathogenic for Combined immunodeficiency due to DOCK8 deficiency. Last evaluated: 2024-03-01. Review status: criteria provided, single submitter. Criteria: Invitae Variant Classification Sherloc (09022015). Collection method: clinical testing. Allele origin: germline.
Comment: This sequence change creates a premature translational stop signal (p.Tyr628Metfs*4) in the DOCK8 gene. It is expected to result in an absent or disrupted protein product. Loss-of-function variants in DOCK8 are known to be pathogenic (PMID: 14722525, 19776401). This variant is not present in population databases (gnomAD no frequency). This variant has not been reported in the literature in individuals affected with DOCK8-related conditions. ClinVar contains an entry for this variant (Variation ID: 2031510). For these reasons, this variant has been classified as Pathogenic.

Literature cited by the submitters: PubMed 14722525; PubMed 19776401.